The following is an entry in ClinVar:

ClinVar aggregate classification (germline): Uncertain significance. Review status: criteria provided, multiple submitters, no conflicts (2 of 4 stars). 3 submissions from 3 submitters: Uncertain significance (3). Last evaluated 2023-08-07.

Conditions:
Hereditary nonpolyposis colorectal neoplasms. Identifiers: MedGen C0009405, MeSH D003123.
Hereditary cancer-predisposing syndrome. Also called: Hereditary Cancer Syndrome; Neoplastic Syndromes, Hereditary; Tumor predisposition; Hereditary neoplastic syndrome. Identifiers: Orphanet 140162, MedGen C0027672, MeSH D009386, MONDO:0015356.

Submissions (3):

Color Diagnostics, LLC DBA Color Health
Classification: Uncertain significance for Hereditary cancer-predisposing syndrome. Last evaluated: 2023-08-07. Review status: criteria provided, single submitter. Criteria: ACMG Guidelines, 2015. Collection method: clinical testing. Allele origin: germline.
Comment: This missense variant replaces serine with proline at codon 405 of the PMS2 protein. Computational prediction suggests that this variant may not impact protein structure and function (internally defined REVEL score threshold <= 0.5, PMID: 27666373). To our knowledge, functional studies have not been reported for this variant. This variant has not been reported in individuals affected with PMS2-related disorders in the literature. This variant has not been identified in the general population by the Genome Aggregation Database (gnomAD). The available evidence is insufficient to determine the role of this variant in disease conclusively. Therefore, this variant is classified as a Variant of Uncertain Significance.

Ambry Genetics
Classification: Uncertain significance for Hereditary cancer-predisposing syndrome. Last evaluated: 2023-06-18. Review status: criteria provided, single submitter. Criteria: Ambry Variant Classification Scheme 2023. Collection method: clinical testing. Allele origin: germline.
Comment: The p.S405P variant (also known as c.1213T>C), located in coding exon 11 of the PMS2 gene, results from a T to C substitution at nucleotide position 1213. The serine at codon 405 is replaced by proline, an amino acid with similar properties. This amino acid position is conserved. In addition, this alteration is predicted to be tolerated by in silico analysis. Since supporting evidence is limited at this time, the clinical significance of this alteration remains unclear.

Labcorp Genetics (formerly Invitae), Labcorp
Classification: Uncertain significance for Hereditary nonpolyposis colorectal neoplasms. Last evaluated: 2022-06-29. Review status: criteria provided, single submitter. Criteria: Invitae Variant Classification Sherloc (09022015). Collection method: clinical testing. Allele origin: germline.
Comment: In summary, the available evidence is currently insufficient to determine the role of this variant in disease. Therefore, it has been classified as a Variant of Uncertain Significance. This sequence change replaces serine, which is neutral and polar, with proline, which is neutral and non-polar, at codon 405 of the PMS2 protein (p.Ser405Pro). This variant is not present in population databases (gnomAD no frequency). This variant has not been reported in the literature in individuals affected with PMS2-related conditions. Advanced modeling of protein sequence and biophysical properties (such as structural, functional, and spatial information, amino acid conservation, physicochemical variation, residue mobility, and thermodynamic stability) performed at Invitae indicates that this missense variant is not expected to disrupt PMS2 protein function.

NM_000535.7(PMS2):c.1213T>C (p.Ser405Pro)

Gene: PMS2 (PMS1 homolog 2, mismatch repair system component; minus strand). Cytogenetic location: 7p22.1.
Variant type: single nucleotide variant.
Coding change: c.1213T>C on transcript NM_000535.7 (MANE Select); coding-DNA position 1213, T replaced by C.
Protein change: p.Ser405Pro; replaces serine 405 with proline.
Molecular consequence: missense variant. On other transcripts: non-coding transcript variant (1).
Genome position (GRCh38, 1-based): chr7:5,987,552, A>G on the plus strand (T>C on the coding strand, the complement: PMS2 is on the minus strand). VCF-style: chr7-5987552-A-G. GRCh37 (hg19) VCF-style: chr7-6027183-A-G.
Other names: c.808T>C, p.Ser270Pro (NM_001018040.1, NM_001322003.2, NM_001322004.2 and 17 more transcripts); c.1057T>C, p.Ser353Pro (NM_001322006.2, NM_001406870.1); c.895T>C, p.Ser299Pro (NM_001322007.2, NM_001322008.2, NM_001406876.1 and 2 more transcripts); c.652T>C, p.Ser218Pro (NM_001322010.2, NM_001406906.1, NM_001406907.1); c.280T>C, p.Ser94Pro (NM_001322011.2, NM_001322012.2); c.640T>C, p.Ser214Pro (NM_001322013.2, NM_001406909.1); c.1213T>C, p.Ser405Pro (NM_001322014.2, NM_001406871.1, NM_001406872.1); c.904T>C, p.Ser302Pro (NM_001322015.2, NM_001406875.1, NM_001406877.1 and 5 more transcripts); and 12 more; short protein forms S297P, S349P, S405P, S214P, S250P, S283P, S299P, S302P.
Identifiers: ClinVar variation 2181085 (VCV002181085.8), dbSNP rs2128736080, ClinGen allele CA366742554.
Genomic context (GRCh38, chr7:5,987,552, plus strand): 5'-AAAAGGCCTCTCGCAGTCTGGAAATGGACACGTCTTTTTTTTCTTCTCCAGTCCTTAATG[A>G]AGGGGATTGATCCTGCTTTTCTACCATGGGCTTTTCCAAATCCGCTGCATGCATTTTTAT-3'
Protein context (NP_000526.2, residues 395-415): PMVEKQDQSP[Ser405Pro]LRTGEEKKDV